The following is an entry in ClinVar:

ClinVar aggregate classification (germline): Uncertain significance. Review status: criteria provided, multiple submitters, no conflicts (2 of 4 stars). 2 submissions from 2 submitters: Uncertain significance (2). Last evaluated 2023-12-18.

Conditions:
Breast-ovarian cancer, familial, susceptibility to, 2 (BROVCA2). Also called: BRCA2 Hereditary Breast and Ovarian Cancer. Identifiers: Orphanet 145, MedGen C2675520, MONDO:0012933, OMIM 612555. Disease mechanism: loss of function.

Submissions (2):

All of Us Research Program, National Institutes of Health
Classification: Uncertain significance for Breast-ovarian cancer, familial, susceptibility to, 2. Last evaluated: 2023-12-18. Review status: criteria provided, single submitter. Criteria: ACMG Guidelines, 2015. Collection method: clinical testing. Allele origin: germline. Inheritance: Autosomal dominant inheritance. Observed: 1 variant allele, 1 heterozygote.
Comment: This missense variant replaces serine with phenylalanine at codon 3354 of the BRCA2 protein. Computational prediction suggests that this variant may not impact protein structure and function (internally defined REVEL score threshold <= 0.5, PMID: 27666373). To our knowledge, functional studies have not been reported for this variant. This variant has not been reported in individuals affected with BRCA2-related disorders in the literature. This variant has not been identified in the general population by the Genome Aggregation Database (gnomAD). The available evidence is insufficient to determine the role of this variant in disease conclusively. Therefore, this variant is classified as a Variant of Uncertain Significance.

This study involves interpretation of variants in research participants for the purpose of population health screening. Participant phenotype was not available at the time of variant classification. Additional details can be found in publication PMID: 35346344, PMCID: PMC8962531

ARUP Laboratories, Molecular Genetics and Genomics, ARUP Laboratories
Classification: Uncertain significance. Last evaluated: 2023-03-21. Review status: criteria provided, single submitter. Criteria: ARUP Molecular Germline Variant Investigation Process 2024. Collection method: clinical testing. Allele origin: germline.
Comment: The BRCA2 c.10061C>T; p.Ser3354Phe variant, to our knowledge, is not reported in the medical literature or gene specific databases. This variant is also absent from the Genome Aggregation Database, indicating it is not a common polymorphism. Computational analyses predict that this variant is neutral (REVEL: 0.090). Due to limited information, the clinical significance of this variant is uncertain at this time.

NM_000059.4(BRCA2):c.10061C>T (p.Ser3354Phe)

Gene: BRCA2 (BRCA2 DNA repair associated; plus strand). Cytogenetic location: 13q13.1.
Variant type: single nucleotide variant.
Coding change: c.10061C>T on transcript NM_000059.4 (MANE Select); coding-DNA position 10061, C replaced by T.
Protein change: p.Ser3354Phe; replaces serine 3354 with phenylalanine.
Molecular consequence: missense variant. On other transcripts: non-coding transcript variant (1).
Genome position (GRCh38, 1-based): chr13:32,398,574, C>T. VCF-style: chr13-32398574-C-T. GRCh37 (hg19) VCF-style: chr13-32972711-C-T.
Other names: c.9965C>T, p.Ser3322Phe (NM_001406719.1); c.10010C>T, p.Ser3337Phe (NM_001406720.1); c.5129C>T, p.Ser1710Phe (NM_001406721.1); c.3644C>T, p.Ser1215Phe (NM_001406722.1); short protein forms S3322F, S1215F, S1710F, S3337F, S3354F.
Identifiers: ClinVar variation 2920895 (VCV002920895.2), dbSNP rs1555290030, ClinGen allele CA387767869.